The following is an entry in ClinVar:

ClinVar aggregate classification (germline): Pathogenic (1 of 4 stars; one submission).

Conditions:
Arrhythmogenic cardiomyopathy with wooly hair and keratoderma. Also called: Dilated cardiomyopathy with woolly hair and keratoderma; Carvajal syndrome; Arrhythmogenic cardiomyopathy with woolly hair and keratoderma; PALMOPLANTAR KERATODERMA WITH LEFT VENTRICULAR CARDIOMYOPATHY AND WOOLLY HAIR. Identifiers: Orphanet 65282, MedGen C1854063, MONDO:0011581, OMIM 605676.
Arrhythmogenic right ventricular dysplasia 8 (ARVD8). Also called: Arrhythmogenic Right Ventricular Dysplasia/Cardiomyopathy 8; ARRHYTHMOGENIC RIGHT VENTRICULAR DYSPLASIA, FAMILIAL, 8; ARRHYTHMOGENIC RIGHT VENTRICULAR CARDIOMYOPATHY 8. Identifiers: MedGen C1843896, MONDO:0011831, OMIM 607450.

Submission:

Labcorp Genetics (formerly Invitae), Labcorp
Classification: Pathogenic for Arrhythmogenic cardiomyopathy with wooly hair and keratoderma; Arrhythmogenic right ventricular dysplasia 8. Last evaluated: 2025-08-17. Review status: criteria provided, single submitter. Criteria: Invitae Variant Classification Sherloc (09022015). Collection method: clinical testing. Allele origin: germline.
Comment: This sequence change creates a premature translational stop signal (p.Gln696Argfs*9) in the DSP gene. It is expected to result in an absent or disrupted protein product. Loss-of-function variants in DSP are known to be pathogenic (PMID: 20716751, 24503780, 25227139). This variant is not present in population databases (gnomAD no frequency). This variant has not been reported in the literature in individuals affected with DSP-related conditions. ClinVar contains an entry for this variant (Variation ID: 2027550). For these reasons, this variant has been classified as Pathogenic.

Literature cited by the submitters: PubMed 20716751; PubMed 24503780; PubMed 25227139.

NM_004415.4(DSP):c.2086del (p.Gln696fs)

Gene: DSP (desmoplakin; plus strand). Cytogenetic location: 6p24.3.
Variant type: Deletion.
Coding change: c.2086del on transcript NM_004415.4 (MANE Select); coding-DNA position 2086, one base deleted (C; older notation c.2086delC).
Protein change: p.Gln696fs; shifts the reading frame from glutamine 696.
Molecular consequence: frameshift variant.
Genome position (GRCh38, 1-based): chr6:7,572,024, C deleted; the last of 2 consecutive C bases (chr6:7,572,023-7,572,024); deleting either gives the same sequence. VCF-style (leftmost placement, unchanged base first): chr6-7572022-AC-A. GRCh37 (hg19) VCF-style: chr6-7572255-AC-A.
Other names: c.2086del, p.Gln696fs (NM_001008844.3, NM_001319034.2); short protein forms Q696fs.
Identifiers: ClinVar variation 2027550 (VCV002027550.4), dbSNP rs2533897220, ClinGen allele CA2580075402.
Genomic context (GRCh38, chr6:7,572,022, plus strand): 5'-TTCGCAGGCAGATAGAGCACTGCGAGGGCAGGATGACTCTCAAAAACCTCCCTCTAGCAG[AC>A]CAGGGATCTTCTCACCACATCACAGTGAAAATTAACGAGCTTAAGGTAGGTATCTGCTAG-3'